The following is an entry in ClinVar:

NM_022114.4(PRDM16):c.691C>T (p.Arg231Cys)

Gene: PRDM16 (PR/SET domain 16; plus strand). Cytogenetic location: 1p36.32.
Variant type: single nucleotide variant.
Coding change: c.691C>T on transcript NM_022114.4 (MANE Select); coding-DNA position 691, C replaced by T.
Protein change: p.Arg231Cys; replaces arginine 231 with cysteine.
Molecular consequence: missense variant.
Genome position (GRCh38, 1-based): chr1:3,402,805, C>T. VCF-style: chr1-3402805-C-T. GRCh37 (hg19) VCF-style: chr1-3319369-C-T.
Other names: p.Arg231Cys; c.691C>T, p.Arg231Cys (NM_199454.3); short protein forms R231C.
Identifiers: ClinVar variation 3668751 (VCV003668751.3).

ClinVar aggregate classification (germline): Uncertain significance. Review status: criteria provided, multiple submitters, no conflicts (2 of 4 stars). 2 submissions from 2 submitters: Uncertain significance (2). Last evaluated 2025-08-09.

Conditions:
Left ventricular noncompaction 8 (LVNC8). Identifiers: Orphanet 154, Orphanet 54260, MedGen C3809288, MONDO:0014152, OMIM 615373.

gnomAD v4.1: 70 of 1,611,872 alleles (0.0043%); highest among the groups gnomAD compares: Non-Finnish European, 0.0058%; no homozygotes.

Submissions (2):

Labcorp Genetics (formerly Invitae), Labcorp
Classification: Uncertain significance for Left ventricular noncompaction 8. Last evaluated: 2025-08-09. Review status: criteria provided, single submitter. Criteria: Invitae Variant Classification Sherloc (09022015). Collection method: clinical testing. Allele origin: germline.
Comment: This sequence change replaces arginine, which is basic and polar, with cysteine, which is neutral and slightly polar, at codon 231 of the PRDM16 protein (p.Arg231Cys). This variant is present in population databases (rs771270937, gnomAD 0.006%). This missense change has been observed in individual(s) with hypertrophic cardiomyopathy (PMID: 30206291). This variant is also known as Arg232Cys. ClinVar contains an entry for this variant (Variation ID: 3668751). An algorithm developed to predict the effect of missense changes on protein structure and function (PolyPhen-2) suggests that this variant is likely to be disruptive. In summary, the available evidence is currently insufficient to determine the role of this variant in disease. Therefore, it has been classified as a Variant of Uncertain Significance.

Mayo Clinic Laboratories, Mayo Clinic
Classification: Uncertain significance. Last evaluated: 2024-10-14. Review status: criteria provided, single submitter. Criteria: ACMG Guidelines, 2015. Collection method: clinical testing. Allele origin: germline. Observed: 1 variant allele.

Literature cited by the submitters: PubMed 30206291 (cited by Labcorp Genetics (formerly Invitae), Labcorp and Mayo Clinic Laboratories, Mayo Clinic); PubMed 32880476 (cited by Mayo Clinic Laboratories, Mayo Clinic).